The following is an entry in ClinVar:

NM_199420.4(POLQ):c.664G>A (p.Gly222Arg)

Gene: POLQ (DNA polymerase theta; minus strand). Cytogenetic location: 3q13.33.
Variant type: single nucleotide variant.
Coding change: c.664G>A on transcript NM_199420.4 (MANE Select); coding-DNA position 664, G replaced by A.
Protein change: p.Gly222Arg; replaces glycine 222 with arginine.
Molecular consequence: missense variant.
Genome position (GRCh38, 1-based): chr3:121,537,176, C>T on the plus strand (G>A on the coding strand, the complement: POLQ is on the minus strand). VCF-style: chr3-121537176-C-T. GRCh37 (hg19) VCF-style: chr3-121256023-C-T.
Other names: short protein forms G222R.
Identifiers: ClinVar variation 1754685 (VCV001754685.3), dbSNP rs2546822791, ClinGen allele CA354090677.

ClinVar aggregate classification (germline): Uncertain significance (1 of 4 stars; one submission).

gnomAD v4.1: 1 of 1,602,868 alleles (0.000062%); highest among the groups gnomAD compares: African/African-American, 0.0013%; no homozygotes.

Submission:

Ambry Genetics
Classification: Uncertain significance. Last evaluated: 2024-10-11. Review status: criteria provided, single submitter. Criteria: Ambry Variant Classification Scheme 2023. Collection method: clinical testing. Allele origin: germline.
Comment: The p.G222R variant (also known as c.664G>A), located in coding exon 5 of the POLQ gene, results from a G to A substitution at nucleotide position 664. The glycine at codon 222 is replaced by arginine, an amino acid with dissimilar properties. This amino acid position is conserved. In addition, the in silico prediction for this alteration is inconclusive. Since supporting evidence is limited at this time, the clinical significance of this alteration remains unclear.